The following is an entry in ClinVar:

NC_000011.10:g.47337436del

Gene: MYBPC3 (myosin binding protein C3; minus strand). Cytogenetic location: 11p11.2.
Variant type: Deletion.
Molecular consequence: frameshift variant (on NM_000256.3).
Genome position: GRCh38 VCF-style: chr11-47337434-GC-G. GRCh37 (hg19) VCF-style: chr11-47358985-GC-G.
Other names: c.2558delG (NM_000256.3); c.2558del, p.Gly853fs (LRG_386t1).
Identifiers: ClinVar variation 42641 (VCV000042641.26), dbSNP rs397515977, ClinGen allele CA012641.

ClinVar aggregate classification (germline): Pathogenic. Review status: criteria provided, multiple submitters, no conflicts (2 of 4 stars). 7 submissions from 7 submitters: Pathogenic (7). Last evaluated 2026-01-15.

Conditions:
MYBPC3-related disorder. Also called: MYBPC3-related disorders; MYBPC3-related condition; MYBPC3-related disease.
Cardiomyopathy (CMYO). Also called: Cardiomyopathies. Identifiers: Orphanet 167848, MedGen C0878544, MONDO:0004994, HP:0001638. Inheritance: Various modes of inheritance.
Hypertrophic cardiomyopathy 4. Also called: Familial hypertrophic cardiomyopathy 4. Identifiers: MedGen C1861862, MONDO:0007268, OMIM 115197.
Hypertrophic cardiomyopathy. Also called: HYPERTROPHIC MYOCARDIOPATHY. Identifiers: Orphanet 217569, MedGen C0007194, MeSH D002312, MONDO:0005045, HP:0001639.

Submissions (7):

GeneDx
Classification: Pathogenic. Last evaluated: 2026-01-15. Review status: criteria provided, single submitter. Criteria: GeneDx Variant Classification Process June 2021. Collection method: clinical testing. Allele origin: germline. Affected: yes.
Comment: Frameshift variant predicted to result in protein truncation or nonsense mediated decay in a gene for which loss of function is a known mechanism of disease; Identified in multiple patients with HCM referred for genetic testing at GeneDx and in the published literature (PMID: 15519027, 24793961, 26914223, 27532257, 37652022); Not observed at significant frequency in large population cohorts (gnomAD); This variant is associated with the following publications: (PMID: 26914223, 15519027, 24793961, 27532257, 28420666, 34135346, 37652022, 36243179)

Women's Health and Genetics/Laboratory Corporation of America, LabCorp
Classification: Pathogenic for Cardiomyopathy. Last evaluated: 2024-12-24. Review status: criteria provided, single submitter. Criteria: LabCorp Variant Classification Summary - May 2015. Collection method: clinical testing. Allele origin: germline.
Comment: Variant summary: MYBPC3 c.2558delG (p.Gly853AlafsX26) results in a premature termination codon, predicted to cause absence of the protein due to nonsense mediated decay, which is a commonly known mechanism for disease. The frequency data for this variant in gnomAD is considered unreliable, as metrics indicate poor data quality at this position. c.2558delG has been reported in the literature in at-least one individual affected with Cardiomyopathy (example, Murphy_2016) . These report(s) do not provide unequivocal conclusions about association of the variant with Cardiomyopathy. To our knowledge, no experimental evidence demonstrating an impact on protein function has been reported. The following publications have been ascertained in the context of this evaluation (PMID: 26914223, 15519027). ClinVar contains an entry for this variant (Variation ID: 42641). Based on the evidence outlined above, the variant was classified as pathogenic.

Labcorp Genetics (formerly Invitae), Labcorp
Classification: Pathogenic for Hypertrophic cardiomyopathy. Last evaluated: 2024-12-04. Review status: criteria provided, single submitter. Criteria: Invitae Variant Classification Sherloc (09022015). Collection method: clinical testing. Allele origin: germline.
Comment: This sequence change creates a premature translational stop signal (p.Gly853Alafs*26) in the MYBPC3 gene. It is expected to result in an absent or disrupted protein product. Loss-of-function variants in MYBPC3 are known to be pathogenic (PMID: 19574547). This variant is not present in population databases (gnomAD no frequency). This premature translational stop signal has been observed in individuals with hypertrophic cardiomyopathy (PMID: 26914223, 27532257). ClinVar contains an entry for this variant (Variation ID: 42641). For these reasons, this variant has been classified as Pathogenic.

Illumina Laboratory Services, Illumina
Classification: Pathogenic for Hypertrophic cardiomyopathy 4. Last evaluated: 2024-03-12. Review status: criteria provided, single submitter. Criteria: ICSLVariantClassificationCriteria RUGD 01 April 2020. Collection method: clinical testing. Allele origin: unknown.
Comment: The MYBPC3 c.2558del p.(Gly853AlafsTer26) variant causes a shift in the protein reading frame that is predicted to result in premature termination of the protein. Loss of normal protein function through nonsense-mediated mRNA decay is expected. This variant has been identified in individuals with hypertrophic cardiomyopathy (PMID: 27532257; 30327538). This variant is not observed in version 2.1.1 or version 4.0.0 of the Genome Aggregation Database. Based on the available evidence, this variant is classified as pathogenic for hypertrophic cardiomyopathy.

Blueprint Genetics
Classification: Pathogenic for MYBPC3-related disorders. Last evaluated: 2023-09-01. Review status: criteria provided, single submitter. Criteria: ACMG Guidelines, 2015. Collection method: clinical testing. Allele origin: germline. Affected: yes. Observed: 3 variant alleles.

CHEO Genetics Diagnostic Laboratory, Children's Hospital of Eastern Ontario
Classification: Pathogenic for Cardiomyopathy. Last evaluated: 2023-05-10. Review status: criteria provided, single submitter. Criteria: ACMG Guidelines, 2015. Collection method: clinical testing. Allele origin: germline.

Laboratory for Molecular Medicine, Mass General Brigham Personalized Medicine
Classification: Pathogenic for Hypertrophic cardiomyopathy. Last evaluated: 2019-11-04. Review status: criteria provided, single submitter. Criteria: ACMG Guidelines, 2015. Collection method: clinical testing. Allele origin: germline. Inheritance: Autosomal dominant inheritance.
Comment: The Gly853fs variant in MYBPC3 has been reported in one individual with HCM and was absent from 200 Caucasian and 200 Black control chromosomes (Van Driest 2004 - reported as I852fs/25, Bos 2014). This variant has also been identified by our laboratory in 2 Caucasian adults with HCM and segregated with disease in 2 affected relatives from one family. This variant is predicted to cause a frameshift, which alters the protein’s amino acid sequence beginning at position 853 and leads to a premature termination codon 26 amino acids downstream. This alteration is then predicted to lead to a truncated or absent protein (loss of function). Loss of function is an established mechanism of disease for the MYBPC3 gene in patients with HCM. In summary, this variant meets our criteria to be classified as pathogenic based on the severity of the predicted impact.

Literature cited by the submitters: PubMed 15519027 (cited by Women's Health and Genetics/Laboratory Corporation of America, LabCorp and Laboratory for Molecular Medicine, Mass General Brigham Personalized Medicine); PubMed 26914223 (cited by Women's Health and Genetics/Laboratory Corporation of America, LabCorp and Labcorp Genetics (formerly Invitae), Labcorp); PubMed 19574547 (cited by Labcorp Genetics (formerly Invitae), Labcorp); PubMed 27532257 (cited by Labcorp Genetics (formerly Invitae), Labcorp and Illumina Laboratory Services, Illumina); PubMed 30327538 (cited by Illumina Laboratory Services, Illumina); PubMed 24793961 (cited by Laboratory for Molecular Medicine, Mass General Brigham Personalized Medicine).